The following is an entry in ClinVar:

NM_006904.7(PRKDC):c.2723A>T (p.Asp908Val)

Gene: PRKDC (protein kinase, DNA-activated, catalytic subunit; minus strand). Cytogenetic location: 8q11.21.
Variant type: single nucleotide variant.
Coding change: c.2723A>T on transcript NM_006904.7 (MANE Select); coding-DNA position 2723, A replaced by T.
Protein change: p.Asp908Val; replaces aspartic acid 908 with valine.
Molecular consequence: missense variant.
Genome position (GRCh38, 1-based): chr8:47,913,959, T>A on the plus strand (A>T on the coding strand, the complement: PRKDC is on the minus strand). VCF-style: chr8-47913959-T-A. GRCh37 (hg19) VCF-style: chr8-48826519-T-A.
Other names: c.2723A>T, p.Asp908Val (NM_001081640.2); short protein forms D908V.
Identifiers: ClinVar variation 3425400 (VCV003425400.1).
Genomic context (GRCh38, chr8:47,913,959, plus strand): 5'-ACTTTAGTTTGTCTGTCACTGGCTGTGAGCGCTAATTCTGTGACTCGAGGCAGGAACACA[T>A]CCAGGAAAATGACAGGTTTCATCTCTCTAAAGGGCACTGCAAAGCTCAGCCGCTTCTCTC-3'
Protein context (NP_008835.5, residues 898-918): FREMKPVIFL[Asp908Val]VFLPRVTELA

ClinVar aggregate classification (germline): Uncertain significance (1 of 4 stars; one submission).

Submission:

Ambry Genetics
Classification: Uncertain significance. Last evaluated: 2024-11-11. Review status: criteria provided, single submitter. Criteria: Ambry Variant Classification Scheme 2023. Collection method: clinical testing. Allele origin: germline.
Comment: The p.D908V variant (also known as c.2723A>T), located in coding exon 24 of the PRKDC gene, results from an A to T substitution at nucleotide position 2723. The aspartic acid at codon 908 is replaced by valine, an amino acid with highly dissimilar properties. This amino acid position is conserved. In addition, this alteration is predicted to be deleterious by in silico analysis. Based on the available evidence, the clinical significance of this variant remains unclear.